The following is an entry in ClinVar:

ClinVar aggregate classification (germline): Benign. Review status: criteria provided, single submitter (1 of 4 stars). 3 submissions from 3 submitters: Benign (1). 2 of the submissions do not count toward it. Last evaluated 2026-01-19.

Conditions:
RAB23-related disorder. Also called: RAB23-related condition.
RAB23-related Carpenter syndrome. Also called: ACPS II; Carpenter syndrome 1. Identifiers: Orphanet 65759, MedGen C4551510, MONDO:0008710, OMIM 201000.
Carpenter syndrome. Identifiers: Orphanet 65759, MedGen C1275078, MONDO:0019012.

Allele frequency attached by ClinVar (database versions not stated): gnomAD exomes 0.00006 and 0.00010; gnomAD 0.00005 and 0.00004; ExAC 0.00009; TOPMed 0.00009.
gnomAD v4.1: 101 of 1,612,978 alleles (0.0063%); highest among the groups gnomAD compares: Non-Finnish European, 0.0018%; no homozygotes.

Submissions (3):

Labcorp Genetics (formerly Invitae), Labcorp
Classification: Benign for Carpenter syndrome. Last evaluated: 2026-01-19. Review status: criteria provided, single submitter. Criteria: Invitae Variant Classification Sherloc (09022015). Collection method: clinical testing. Allele origin: germline.

PreventionGenetics, part of Exact Sciences
Classification: Likely benign for RAB23-related condition. Last evaluated: 2024-08-05. Review status: no assertion criteria provided. Collection method: clinical testing. Allele origin: germline. Not counted in ClinVar's aggregate classification.
Comment: This variant is classified as likely benign based on ACMG/AMP sequence variant interpretation guidelines (Richards et al. 2015 PMID: 25741868, with internal and published modifications).

Natera, Inc.
Classification: Likely benign for Carpenter syndrome 1. Last evaluated: 2020-02-26. Review status: no assertion criteria provided. Collection method: clinical testing. Allele origin: germline. Not counted in ClinVar's aggregate classification.

NM_016277.5(RAB23):c.534T>C (p.Ala178=)

Gene: RAB23 (RAB23, member RAS oncogene family; minus strand). Cytogenetic location: 6p12.1.
Variant type: single nucleotide variant.
Coding change: c.534T>C on transcript NM_016277.5 (MANE Select); coding-DNA position 534, T replaced by C.
Protein change: p.Ala178=; no amino-acid change (alanine 178 retained).
Molecular consequence: synonymous variant. On other transcripts: non-coding transcript variant (1).
Genome position (GRCh38, 1-based): chr6:57,193,882, A>G on the plus strand (T>C on the coding strand, the complement: RAB23 is on the minus strand). VCF-style: chr6-57193882-A-G. GRCh37 (hg19) VCF-style: chr6-57058680-A-G.
Other names: c.534T>C, p.Ala178= (NM_001278666.2, NM_001278667.2, NM_001278668.2 and 1 more transcripts).
Identifiers: ClinVar variation 738344 (VCV000738344.12), dbSNP rs201820320, ClinGen allele CA3873783.
Genomic context (GRCh38, chr6:57,193,882, plus strand): 5'-AAAATTTCCTATGTACTTACCAATCTTGTTACTACTTGAATGCGTTAGTTCTGGATCCTC[A>G]GCTATTTGTTGTTTGAGTTTCTGAAGGTATTTTTCAGCCAAATACTTAAAAACTAGAATA-3'
Protein context (NP_057361.3, residues 168-188): KYLQKLKQQI[Ala178=]EDPELTHSSS